The following is an entry in ClinVar:

ClinVar aggregate classification (germline): Likely benign. Review status: criteria provided, single submitter (1 of 4 stars). 2 submissions from 2 submitters: Likely benign (1). 1 of the submissions does not count toward it. Last evaluated 2025-08-16.

Conditions:
Hepatic veno-occlusive disease-immunodeficiency syndrome. Also called: Hepatic Veno-Occlusive Disease with Immunodeficiency. Identifiers: Orphanet 79124, MedGen C1856128, MONDO:0009338, OMIM 235550. Disease mechanism: loss of function.
SP110-related disorder. Also called: SP110-related condition.

Allele frequency attached by ClinVar (database versions not stated): gnomAD exomes 0.00003 and 0.00009; gnomAD 0.00006; TOPMed 0.00008; ExAC 0.00009.
gnomAD v4.1: 55 of 1,613,370 alleles (0.0034%); highest among the groups gnomAD compares: Admixed American, 0.045%; no homozygotes.

Submissions (2):

Labcorp Genetics (formerly Invitae), Labcorp
Classification: Likely benign for Hepatic veno-occlusive disease-immunodeficiency syndrome. Last evaluated: 2025-08-16. Review status: criteria provided, single submitter. Criteria: Invitae Variant Classification Sherloc (09022015). Collection method: clinical testing. Allele origin: germline.

PreventionGenetics, part of Exact Sciences
Classification: Likely benign for SP110-related condition. Last evaluated: 2023-12-04. Review status: no assertion criteria provided. Collection method: clinical testing. Allele origin: germline. Not counted in ClinVar's aggregate classification.
Comment: This variant is classified as likely benign based on ACMG/AMP sequence variant interpretation guidelines (Richards et al. 2015 PMID: 25741868, with internal and published modifications).

NM_080424.4(SP110):c.1395C>T (p.Pro465=)

Gene: SP110 (SP110 nuclear body protein; minus strand). Cytogenetic location: 2q37.1.
Variant type: single nucleotide variant.
Coding change: c.1395C>T on transcript NM_080424.4 (MANE Select); coding-DNA position 1395, C replaced by T.
Protein change: p.Pro465=; no amino-acid change (proline 465 retained).
Molecular consequence: synonymous variant.
Genome position (GRCh38, 1-based): chr2:230,178,209, G>A on the plus strand (C>T on the coding strand, the complement: SP110 is on the minus strand). VCF-style: chr2-230178209-G-A. GRCh37 (hg19) VCF-style: chr2-231042925-G-A.
Other names: c.1413C>T, p.Pro471= (NM_001185015.2, NM_001378442.1, NM_001378444.1 and 2 more transcripts); c.1395C>T, p.Pro465= (NM_001378443.1, NM_004509.5, NM_004510.4); c.1245C>T, p.Pro415= (NM_001378447.1).
Identifiers: ClinVar variation 714568 (VCV000714568.10), dbSNP rs767345511, ClinGen allele CA2154510.